The following is an entry in ClinVar:

ClinVar aggregate classification (germline): Likely pathogenic (1 of 4 stars; one submission).

Conditions:
Familial hemophagocytic lymphohistiocytosis (FHL). Also called: Familial erythrophagocytic lymphohistiocytosis; Familial histiocytic reticulosis; Hereditary hemophagocytic lymphohistiocytosis. Identifiers: Orphanet 158038, Orphanet 540, MedGen C0272199, MONDO:0015541.

Submission:

Women's Health and Genetics/Laboratory Corporation of America, LabCorp
Classification: Likely pathogenic for Familial hemophagocytic lymphohistiocytosis. Last evaluated: 2023-03-22. Review status: criteria provided, single submitter. Criteria: LabCorp Variant Classification Summary - May 2015. Collection method: clinical testing. Allele origin: germline.
Comment: Variant summary: UNC13D c.469C>T (p.Gln157X) results in a premature termination codon, predicted to cause a truncation of the encoded protein or absence of the protein due to nonsense mediated decay, which are commonly known mechanisms for disease. Truncations downstream of this position have been classified as pathogenic within ClinVar (e.g. c.520C>T [p.Gln174Ter], c.640C>T [p.Arg214Ter]). The variant was absent in 249776 control chromosomes (gnomAD). To our knowledge, no occurrence of c.469C>T in individuals affected with Familial Hemophagocytic Lymphohistiocytosis and no experimental evidence demonstrating its impact on protein function have been reported. No clinical diagnostic laboratories have submitted clinical-significance assessments for this variant to ClinVar after 2014. Based on the evidence outlined above, the variant was classified as likely pathogenic.

NM_199242.3(UNC13D):c.469C>T (p.Gln157Ter)

Gene: UNC13D (unc-13 homolog D; minus strand). Cytogenetic location: 17q25.1.
Variant type: single nucleotide variant.
Coding change: c.469C>T on transcript NM_199242.3 (MANE Select); coding-DNA position 469, C replaced by T.
Protein change: p.Gln157Ter; replaces glutamine 157 with a stop codon.
Molecular consequence: nonsense.
Genome position (GRCh38, 1-based): chr17:75,842,533, G>A on the plus strand (C>T on the coding strand, the complement: UNC13D is on the minus strand). VCF-style: chr17-75842533-G-A. GRCh37 (hg19) VCF-style: chr17-73838614-G-A.
Other names: short protein forms Q157*.
Identifiers: ClinVar variation 2501020 (VCV002501020.1), dbSNP rs2545987351, ClinGen allele CA401114284.